The following is an entry in ClinVar:

NM_001366145.2(TRPM3):c.4681G>A (p.Asp1561Asn)

Genes: KLF9-DT (KLF9 divergent transcript; plus strand), TRPM3 (transient receptor potential cation channel subfamily M member 3; minus strand). Cytogenetic location: 9q21.12.
Variant type: single nucleotide variant.
Coding change: c.4681G>A on transcript NM_001366145.2 (MANE Select); coding-DNA position 4681, G replaced by A.
Protein change: p.Asp1561Asn; replaces aspartic acid 1561 with asparagine.
Molecular consequence: missense variant. On other transcripts: intron variant (8).
Genome position (GRCh38, 1-based): chr9:70,536,432, C>T on the plus strand (G>A on the coding strand, the complement: TRPM3 is on the minus strand). VCF-style: chr9-70536432-C-T. GRCh37 (hg19) VCF-style: chr9-73151348-C-T.
Other names: c.4645G>A, p.Asp1549Asn (NM_001007471.4); c.4651G>A, p.Asp1551Asn (NM_001366141.2, NM_001366149.2); c.4756G>A, p.Asp1586Asn (NM_001366147.2); c.4186G>A, p.Asp1396Asn (NM_020952.6); c.4222G>A, p.Asp1408Asn (NM_024971.7); c.4156G>A, p.Asp1386Asn (NM_206944.5); c.4192G>A, p.Asp1398Asn (NM_206945.5); c.4261G>A, p.Asp1421Asn (NM_206946.5); and 9 more; short protein forms D1386N, D1396N, D1398N, D1408N, D1411N, D1421N, D1549N, D1551N.
Identifiers: ClinVar variation 3390510 (VCV003390510.1).
Genomic context (GRCh38, chr9:70,536,432, plus strand): 5'-GGAAGGCAGCTCTGTCCGCAATTGCTTGAGGGGCATTGACACACCTTGTGTCAATACAGT[C>T]TGTAATACTTGTGTATTCTGCTGTTTTTACAGGCACCCCAAAGTTGGCATAATAGCTCCT-3'
Protein context (NP_001353074.1, residues 1551-1571): VKTAEYTSIT[Asp1561Asn]CIDTRCVNAP

ClinVar aggregate classification (germline): Uncertain significance (1 of 4 stars; one submission).

Submission:

GeneDx
Classification: Uncertain significance. Last evaluated: 2024-06-13. Review status: criteria provided, single submitter. Criteria: GeneDx Variant Classification Process June 2021. Collection method: clinical testing. Allele origin: germline. Affected: yes.
Comment: Not observed at significant frequency in large population cohorts (gnomAD); In silico analysis indicates that this missense variant does not alter protein structure/function; Has not been previously published as pathogenic or benign to our knowledge